The following is an entry in ClinVar:

NM_203446.3(SYNJ1):c.*676T>C

Gene: SYNJ1 (synaptojanin 1; minus strand). Cytogenetic location: 21q22.11.
Variant type: single nucleotide variant.
Coding change: c.*676T>C on transcript NM_203446.3 (MANE Select); 676 bases downstream of the stop codon, T replaced by C.
Molecular consequence: 3 prime UTR variant. On other transcripts: missense variant (2).
Genome position (GRCh38, 1-based): chr21:32,631,129, A>G on the plus strand (T>C on the coding strand, the complement: SYNJ1 is on the minus strand). VCF-style: chr21-32631129-A-G. GRCh37 (hg19) VCF-style: chr21-34003439-A-G.
Other names: c.*676T>C (NM_001160302.2); c.4447T>C, p.Phe1483Leu (NM_001160306.2); c.4705T>C, p.Phe1569Leu (NM_003895.4); short protein forms F1569L, F1483L.
Identifiers: ClinVar variation 943773 (VCV000943773.10), dbSNP rs2039305600, ClinGen allele CA410080963.

ClinVar aggregate classification (germline): Uncertain significance (1 of 4 stars; one submission).

Conditions:
Early-onset Parkinson disease 20. Also called: PARKINSON DISEASE 20, AUTOSOMAL RECESSIVE EARLY-ONSET. Identifiers: Orphanet 391411, MedGen C3809824, MONDO:0014233, OMIM 615530.
Developmental and epileptic encephalopathy, 53. Also called: Epileptic encephalopathy, early infantile, 53. Identifiers: MedGen C4479313, MONDO:0033362, OMIM 617389.

Allele frequency attached by ClinVar (database versions not stated): gnomAD exomes below 0.00001.

Submission:

Labcorp Genetics (formerly Invitae), Labcorp
Classification: Uncertain significance for Developmental and epileptic encephalopathy, 53; Early-onset Parkinson disease 20. Last evaluated: 2020-03-04. Review status: criteria provided, single submitter. Criteria: Invitae Variant Classification Sherloc (09022015). Collection method: clinical testing. Allele origin: germline.
Comment: This sequence change replaces phenylalanine with leucine at codon 1569 of the SYNJ1 protein (p.Phe1569Leu). The phenylalanine residue is weakly conserved and there is a small physicochemical difference between phenylalanine and leucine. This variant is not present in population databases (ExAC no frequency). This variant has not been reported in the literature in individuals with SYNJ1-related conditions. Algorithms developed to predict the effect of missense changes on protein structure and function output the following: SIFT: "Tolerated"; PolyPhen-2: "Benign"; Align-GVGD: "Class C0". The leucine amino acid residue is found in multiple mammalian species, suggesting that this missense change does not adversely affect protein function. These predictions have not been confirmed by published functional studies and their clinical significance is uncertain. In summary, the available evidence is currently insufficient to determine the role of this variant in disease. Therefore, it has been classified as a Variant of Uncertain Significance.